The following is an entry in ClinVar:

NM_004260.4(RECQL4):c.2983T>A (p.Ser995Thr)

Gene: RECQL4 (RecQ like helicase 4; minus strand). Cytogenetic location: 8q24.3.
Variant type: single nucleotide variant.
Coding change: c.2983T>A on transcript NM_004260.4 (MANE Select); coding-DNA position 2983, T replaced by A.
Protein change: p.Ser995Thr; replaces serine 995 with threonine.
Molecular consequence: missense variant.
Genome position (GRCh38, 1-based): chr8:144,512,464, A>T on the plus strand (T>A on the coding strand, the complement: RECQL4 is on the minus strand). VCF-style: chr8-144512464-A-T. GRCh37 (hg19) VCF-style: chr8-145737847-A-T.
Other names: short protein forms S995T.
Identifiers: ClinVar variation 406971 (VCV000406971.9), dbSNP rs373202723, ClinGen allele CA4947983.

ClinVar aggregate classification (germline): Uncertain significance. Review status: criteria provided, multiple submitters, no conflicts (2 of 4 stars). 2 submissions from 2 submitters: Uncertain significance (2). Last evaluated 2024-11-13.

Conditions:
Baller-Gerold syndrome (BGS). Also called: CRANIOSYNOSTOSIS WITH RADIAL DEFECTS. Identifiers: Orphanet 1225, MedGen C0265308, MONDO:0009039, OMIM 218600.
Rothmund-Thomson syndrome (RTS). Also called: Poikiloderma Congenitale; Poikiloderma of Rothmund-Thomson. Identifiers: Orphanet 2909, MedGen C0032339, MONDO:0010002.
Rapadilino syndrome. Identifiers: Orphanet 3021, MedGen C1849453, MONDO:0009955, OMIM 266280.

Allele frequency attached by ClinVar (database versions not stated): gnomAD exomes below 0.00001 and 0.00001; ExAC 0.00001; TOPMed 0.00001; gnomAD 0.00002; ESP Exome Variant Server 0.00008.
gnomAD v4.1: 13 of 1,612,054 alleles (0.00081%); highest among the groups gnomAD compares: Non-Finnish European, 0.0011%; no homozygotes.

Submissions (2):

Labcorp Genetics (formerly Invitae), Labcorp
Classification: Uncertain significance for Baller-Gerold syndrome. Last evaluated: 2024-11-13. Review status: criteria provided, single submitter. Criteria: Invitae Variant Classification Sherloc (09022015). Collection method: clinical testing. Allele origin: germline.
Comment: This sequence change replaces serine, which is neutral and polar, with threonine, which is neutral and polar, at codon 995 of the RECQL4 protein (p.Ser995Thr). This variant is present in population databases (rs373202723, gnomAD 0.004%). This variant has not been reported in the literature in individuals affected with RECQL4-related conditions. ClinVar contains an entry for this variant (Variation ID: 406971). Invitae Evidence Modeling of protein sequence and biophysical properties (such as structural, functional, and spatial information, amino acid conservation, physicochemical variation, residue mobility, and thermodynamic stability) indicates that this missense variant is not expected to disrupt RECQL4 protein function with a negative predictive value of 80%. In summary, the available evidence is currently insufficient to determine the role of this variant in disease. Therefore, it has been classified as a Variant of Uncertain Significance.

Fulgent Genetics
Classification: Uncertain significance for Baller-Gerold syndrome; Rapadilino syndrome; Rothmund-Thomson syndrome type 2. Last evaluated: 2018-10-31. Review status: criteria provided, single submitter. Criteria: ACMG Guidelines, 2015. Collection method: clinical testing. Allele origin: unknown.